The following is an entry in ClinVar:

ClinVar aggregate classification (germline): Pathogenic (1 of 4 stars; one submission).

Conditions:
Fructose-biphosphatase deficiency (FBP1D). Also called: Fructose-1,6-Bisphosphatase 1 Deficiency; Fructose-1,6-Diphosphatase Deficiency; Fructose 1,6 Bisphosphatase Deficiency. Identifiers: Orphanet 348, MedGen C0016756, MONDO:0009251, OMIM 229700.

Submission:

Labcorp Genetics (formerly Invitae), Labcorp
Classification: Pathogenic for Fructose-biphosphatase deficiency. Last evaluated: 2023-10-16. Review status: criteria provided, single submitter. Criteria: Invitae Variant Classification Sherloc (09022015). Collection method: clinical testing. Allele origin: unknown.
Comment: This variant results in the deletion of part of exon 7 (c.840_*10575del) of the FBP1 gene. While this deletion is not anticipated to lead to nonsense mediated decay, it is expected to alter mRNA translation or result in a truncated protein product. This variant has not been reported in the literature in individuals affected with FBP1-related conditions. This variant disrupts a region of the FBP1 protein in which other variant(s) (p.Glu281Lys) have been determined to be pathogenic (PMID: 23881342, 27101822, 29016355, 29774539). This suggests that this is a clinically significant region of the protein, and that variants that disrupt it are likely to be disease-causing. For these reasons, this variant has been classified as Pathogenic.

Literature cited by the submitters: PubMed 23881342; PubMed 27101822; PubMed 29016355; PubMed 29774539.

NC_000009.11:g.(?_97355088)_(97365840_?)del

Genes: FBP1 (fructose-bisphosphatase 1; minus strand), FBP2 (fructose-bisphosphatase 2; minus strand). Cytogenetic location: 9q22.32.
Variant type: Deletion.
Identifiers: ClinVar variation 3245073 (VCV003245073.1).